The following is an entry in ClinVar:

NM_001271938.2(MEGF8):c.3351-2A>C

Gene: MEGF8 (multiple EGF like domains 8; plus strand). Cytogenetic location: 19q13.2.
Variant type: single nucleotide variant.
Coding change: c.3351-2A>C on transcript NM_001271938.2 (MANE Select); the canonical splice acceptor site of the intron before coding-DNA position 3351, A replaced by C.
Molecular consequence: splice acceptor variant.
Genome position (GRCh38, 1-based): chr19:42,352,926, A>C. VCF-style: chr19-42352926-A-C. GRCh37 (hg19) VCF-style: chr19-42857078-A-C.
Other names: c.3150-2A>C (NM_001410.3).
Identifiers: ClinVar variation 931220 (VCV000931220.3), dbSNP rs2039397653, ClinGen allele CA406105351.

ClinVar aggregate classification (germline): Likely pathogenic (1 of 4 stars; one submission).

Conditions:
MEGF8-related Carpenter syndrome. Also called: Carpenter syndrome 2. Identifiers: Orphanet 65759, MedGen C3554247, MONDO:0013998, OMIM 614976.

Submission:

Centre for Mendelian Genomics, University Medical Centre Ljubljana
Classification: Likely pathogenic for MEGF8-related Carpenter syndrome. Last evaluated: 2019-10-28. Review status: criteria provided, single submitter. Criteria: ACMG Guidelines, 2015. Collection method: clinical testing. Allele origin: unknown. Affected: yes.
Comment: This variant was classified as: Likely pathogenic. The following ACMG criteria were applied in classifying this variant: PVS1,PM2.